The following is an entry in ClinVar:

NM_031935.3(HMCN1):c.12726C>A (p.Asn4242Lys)

Gene: HMCN1 (hemicentin 1; plus strand). Cytogenetic location: 1q31.1.
Variant type: single nucleotide variant.
Coding change: c.12726C>A on transcript NM_031935.3 (MANE Select); coding-DNA position 12726, C replaced by A.
Protein change: p.Asn4242Lys; replaces asparagine 4242 with lysine.
Molecular consequence: missense variant.
Genome position (GRCh38, 1-based): chr1:186,128,113, C>A. VCF-style: chr1-186128113-C-A. GRCh37 (hg19) VCF-style: chr1-186097245-C-A.
Other names: c.12726C>A (NM_031935.2); short protein forms N4242K.
Identifiers: ClinVar variation 2055512 (VCV002055512.7), dbSNP rs150757082, ClinGen allele CA33461509.

ClinVar aggregate classification (germline): Uncertain significance. Review status: criteria provided, multiple submitters, no conflicts (2 of 4 stars). 3 submissions from 3 submitters: Uncertain significance (3). Last evaluated 2026-01-05.

Conditions:
Age related macular degeneration 1 (ARMD1). Also called: MACULOPATHY, AGE-RELATED, 1. Identifiers: MedGen C1864205, MONDO:0011285, OMIM 603075.

gnomAD v4.1: 4 of 1,613,382 alleles (0.00025%); highest among the groups gnomAD compares: Admixed American, 0.005%; no homozygotes.

Submissions (3):

Labcorp Genetics (formerly Invitae), Labcorp
Classification: Uncertain significance. Last evaluated: 2026-01-05. Review status: criteria provided, single submitter. Criteria: Invitae Variant Classification Sherloc (09022015). Collection method: clinical testing. Allele origin: germline.
Comment: This sequence change replaces asparagine, which is neutral and polar, with lysine, which is basic and polar, at codon 4242 of the HMCN1 protein (p.Asn4242Lys). This variant is not present in population databases (gnomAD no frequency). This variant has not been reported in the literature in individuals affected with HMCN1-related conditions. ClinVar contains an entry for this variant (Variation ID: 2055512). An algorithm developed to predict the effect of missense changes on protein structure and function (PolyPhen-2) suggests that this variant is likely to be disruptive. In summary, the available evidence is currently insufficient to determine the role of this variant in disease. Therefore, it has been classified as a Variant of Uncertain Significance.

Genome-Nilou Lab
Classification: Uncertain significance for Age related macular degeneration 1. Last evaluated: 2023-04-11. Review status: criteria provided, single submitter. Criteria: ACMG Guidelines, 2015. Collection method: clinical testing. Allele origin: germline. Affected: no.

Ambry Genetics
Classification: Uncertain significance. Last evaluated: 2023-03-06. Review status: criteria provided, single submitter. Criteria: Ambry Variant Classification Scheme 2023. Collection method: clinical testing. Allele origin: germline.